The following is an entry in ClinVar:

ClinVar aggregate classification (germline): Uncertain significance (1 of 4 stars; one submission).

Conditions:
Hereditary cancer-predisposing syndrome. Also called: Neoplastic Syndromes, Hereditary; Tumor predisposition; Hereditary Cancer Syndrome; Hereditary neoplastic syndrome. Identifiers: Orphanet 140162, MedGen C0027672, MeSH D009386, MONDO:0015356.

gnomAD v4.1: 4 of 1,551,908 alleles (0.00026%); highest among the groups gnomAD compares: South Asian, 0.0047%; no homozygotes.

Submission:

Ambry Genetics
Classification: Uncertain significance for Hereditary cancer-predisposing syndrome. Last evaluated: 2025-12-31. Review status: criteria provided, single submitter. Criteria: Ambry Variant Classification Scheme 2023. Collection method: clinical testing. Allele origin: germline.
Comment: The p.S109C variant (also known as c.326C>G), located in coding exon 1 of the ALK gene, results from a C to G substitution at nucleotide position 326. The serine at codon 109 is replaced by cysteine, an amino acid with dissimilar properties. This amino acid position is not well conserved in available vertebrate species. In addition, this alteration is predicted to be tolerated by in silico analysis. Based on the available evidence, the clinical significance of this variant remains unclear.

NM_004304.5(ALK):c.326C>G (p.Ser109Cys)

Gene: ALK (ALK receptor tyrosine kinase; minus strand). Cytogenetic location: 2p23.1.
Variant type: single nucleotide variant.
Coding change: c.326C>G on transcript NM_004304.5 (MANE Select); coding-DNA position 326, C replaced by G.
Protein change: p.Ser109Cys; replaces serine 109 with cysteine.
Molecular consequence: missense variant.
Genome position (GRCh38, 1-based): chr2:29,920,334, G>C on the plus strand (C>G on the coding strand, the complement: ALK is on the minus strand). VCF-style: chr2-29920334-G-C. GRCh37 (hg19) VCF-style: chr2-30143200-G-C.
Other names: short protein forms S109C.
Identifiers: ClinVar variation 4843244 (VCV004843244.1).